The following is an entry in ClinVar:

NM_000038.6(APC):c.-18-807C>A

Gene: APC (APC regulator of WNT signaling pathway; plus strand). Cytogenetic location: 5q22.2.
Variant type: single nucleotide variant.
Coding change: c.-18-807C>A on transcript NM_000038.6 (MANE Select); 807 bases into the intron before 18 bases upstream of the start codon, C replaced by A.
Molecular consequence: intron variant.
Genome position (GRCh38, 1-based): chr5:112,754,066, C>A. VCF-style: chr5-112754066-C-A. GRCh37 (hg19) VCF-style: chr5-112089763-C-A.
Other names: c.-18-807C>A (NM_001354895.2, NM_001127510.3, NM_001354896.2 and 2 more transcripts); c.166-12260C>A (NM_001354897.2, NM_001354902.2, NM_001127511.3); c.61-12260C>A (NM_001354898.2, NM_001354904.2); c.-1053-807C>A (NM_001354906.2); c.-42-12260C>A (NM_001354900.2, NM_001354901.2, NM_001354905.2).
Identifiers: ClinVar variation 82813 (VCV000082813.2), dbSNP rs79955296, ClinGen allele CA006245.

ClinVar aggregate classification (germline): other (0 of 4 stars; one submission).

Conditions:
Familial colorectal cancer. Identifiers: MedGen CN280943, MONDO:0023113. Disease mechanism: loss of function.

Submission:

Systems Biology Platform Zhejiang California International NanoSystems Institute
Classification: other for Familial colorectal cancer. Review status: no assertion criteria provided. Collection method: not provided. Allele origin: unknown.
ClinVar note: Converted during submission from cancer to other.